The following is an entry in ClinVar:

ClinVar aggregate classification (germline): Uncertain significance. Review status: criteria provided, multiple submitters, no conflicts (2 of 4 stars). 2 submissions from 2 submitters: Uncertain significance (2). Last evaluated 2026-01-12.

Conditions:
Hereditary cancer-predisposing syndrome. Also called: Tumor predisposition; Hereditary neoplastic syndrome; Neoplastic Syndromes, Hereditary; Hereditary Cancer Syndrome. Identifiers: Orphanet 140162, MedGen C0027672, MeSH D009386, MONDO:0015356.
DICER1-related tumor predisposition. Also called: DICER1 syndrome; DICER1-related pleuropulmonary blastoma cancer predisposition syndrome. Identifiers: Orphanet 284343, MedGen C3839822, MONDO:0100216.

gnomAD v4.1: 5 of 1,614,054 alleles (0.00031%); highest among the groups gnomAD compares: African/African-American, 0.0053%; no homozygotes.

Submissions (2):

Labcorp Genetics (formerly Invitae), Labcorp
Classification: Uncertain significance for DICER1-related tumor predisposition. Last evaluated: 2026-01-12. Review status: criteria provided, single submitter. Criteria: Invitae Variant Classification Sherloc (09022015). Collection method: clinical testing. Allele origin: germline.
Comment: This sequence change replaces phenylalanine, which is neutral and non-polar, with cysteine, which is neutral and slightly polar, at codon 28 of the DICER1 protein (p.Phe28Cys). This variant is not present in population databases (gnomAD no frequency). This variant has not been reported in the literature in individuals affected with DICER1-related conditions. ClinVar contains an entry for this variant (Variation ID: 938321). Invitae Evidence Modeling of protein sequence and biophysical properties (such as structural, functional, and spatial information, amino acid conservation, physicochemical variation, residue mobility, and thermodynamic stability) indicates that this missense variant is not expected to disrupt DICER1 protein function with a negative predictive value of 95%. In summary, the available evidence is currently insufficient to determine the role of this variant in disease. Therefore, it has been classified as a Variant of Uncertain Significance.

Ambry Genetics
Classification: Uncertain significance for Hereditary cancer-predisposing syndrome. Last evaluated: 2025-06-27. Review status: criteria provided, single submitter. Criteria: Ambry Variant Classification Scheme 2023. Collection method: clinical testing. Allele origin: germline.
Comment: The p.F28C variant (also known as c.83T>G), located in coding exon 1 of the DICER1 gene, results from a T to G substitution at nucleotide position 83. The phenylalanine at codon 28 is replaced by cysteine, an amino acid with highly dissimilar properties. This amino acid position is highly conserved in available vertebrate species. In addition, this alteration is predicted to be deleterious by in silico analysis. Since supporting evidence is limited at this time, the clinical significance of this alteration remains unclear.

NM_177438.3(DICER1):c.83T>G (p.Phe28Cys)

Gene: DICER1 (dicer 1, ribonuclease III; minus strand). Cytogenetic location: 14q32.13.
Variant type: single nucleotide variant.
Coding change: c.83T>G on transcript NM_177438.3 (MANE Select); coding-DNA position 83, T replaced by G.
Protein change: p.Phe28Cys; replaces phenylalanine 28 with cysteine.
Molecular consequence: missense variant.
Genome position (GRCh38, 1-based): chr14:95,133,376, A>C on the plus strand (T>G on the coding strand, the complement: DICER1 is on the minus strand). VCF-style: chr14-95133376-A-C. GRCh37 (hg19) VCF-style: chr14-95599713-A-C.
Other names: c.83T>G, p.Phe28Cys (NM_001195573.1, NM_001271282.3, NM_001291628.2 and 1 more transcripts); short protein forms F28C.
Identifiers: ClinVar variation 938321 (VCV000938321.14), dbSNP rs61729796, ClinGen allele CA265927715.